The following is an entry in ClinVar:

NM_006514.4(SCN10A):c.1250A>T (p.Lys417Met)

Gene: SCN10A (sodium voltage-gated channel alpha subunit 10; minus strand). Cytogenetic location: 3p22.2.
Variant type: single nucleotide variant.
Coding change: c.1250A>T on transcript NM_006514.4 (MANE Select); coding-DNA position 1250, A replaced by T.
Protein change: p.Lys417Met; replaces lysine 417 with methionine.
Molecular consequence: missense variant.
Genome position (GRCh38, 1-based): chr3:38,756,714, T>A on the plus strand (A>T on the coding strand, the complement: SCN10A is on the minus strand). VCF-style: chr3-38756714-T-A. GRCh37 (hg19) VCF-style: chr3-38798205-T-A.
Other names: c.1250A>T, p.Lys417Met (NM_001293306.2, NM_001293307.2); short protein forms K417M.
Identifiers: ClinVar variation 1760595 (VCV001760595.2), dbSNP rs2470790942, ClinGen allele CA352169337.

ClinVar aggregate classification (germline): Uncertain significance (1 of 4 stars; one submission).

Conditions:
Cardiovascular phenotype. Identifiers: MedGen CN230736.

Submission:

Ambry Genetics
Classification: Uncertain significance for Cardiovascular phenotype. Last evaluated: 2022-10-09. Review status: criteria provided, single submitter. Criteria: Ambry Variant Classification Scheme 2023. Collection method: clinical testing. Allele origin: germline.
Comment: The p.K417M variant (also known as c.1250A>T), located in coding exon 9 of the SCN10A gene, results from an A to T substitution at nucleotide position 1250. The lysine at codon 417 is replaced by methionine, an amino acid with similar properties. This amino acid position is conserved. In addition, this alteration is predicted to be tolerated by in silico analysis. Since supporting evidence is limited at this time, the clinical significance of this alteration remains unclear.